The following is an entry in ClinVar:

ClinVar aggregate classification (germline): Uncertain significance (1 of 4 stars; one submission).

Conditions:
Glucose-6-phosphate transport defect (GSD1B). Also called: GSD Ib; Glycogen Storage Disease Type Ib. Identifiers: Orphanet 364, Orphanet 79259, MedGen C0268146, MONDO:0009288, OMIM 232220.

Submission:

Labcorp Genetics (formerly Invitae), Labcorp
Classification: Uncertain significance for Glucose-6-phosphate transport defect. Last evaluated: 2024-10-22. Review status: criteria provided, single submitter. Criteria: Invitae Variant Classification Sherloc (09022015). Collection method: clinical testing. Allele origin: germline.
Comment: This sequence change replaces serine, which is neutral and polar, with arginine, which is basic and polar, at codon 22 of the SLC37A4 protein (p.Ser22Arg). This variant is not present in population databases (gnomAD no frequency). This variant has not been reported in the literature in individuals affected with SLC37A4-related conditions. Invitae Evidence Modeling of protein sequence and biophysical properties (such as structural, functional, and spatial information, amino acid conservation, physicochemical variation, residue mobility, and thermodynamic stability) indicates that this missense variant is not expected to disrupt SLC37A4 protein function with a negative predictive value of 80%. In summary, the available evidence is currently insufficient to determine the role of this variant in disease. Therefore, it has been classified as a Variant of Uncertain Significance.

NM_001164277.2(SLC37A4):c.66C>G (p.Ser22Arg)

Gene: SLC37A4 (solute carrier family 37 member 4; minus strand). Cytogenetic location: 11q23.3.
Variant type: single nucleotide variant.
Coding change: c.66C>G on transcript NM_001164277.2 (MANE Select); coding-DNA position 66, C replaced by G.
Protein change: p.Ser22Arg; replaces serine 22 with arginine.
Molecular consequence: missense variant. On other transcripts: intron variant (1).
Genome position (GRCh38, 1-based): chr11:119,029,304, G>C on the plus strand (C>G on the coding strand, the complement: SLC37A4 is on the minus strand). VCF-style: chr11-119029304-G-C. GRCh37 (hg19) VCF-style: chr11-118900014-G-C.
Other names: c.66C>G, p.Ser22Arg (NM_001164278.2, NM_001164280.2, NM_001467.6); c.-172+88C>G (NM_001164279.2); short protein forms S22R.
Identifiers: ClinVar variation 2820720 (VCV002820720.3), dbSNP rs2134644140, ClinGen allele CA382908640.